The following continues an entry in ClinVar:

NM_004974.4(KCNA2):c.881G>A (p.Arg294His)

Gene: KCNA2. ClinVar aggregate classification (germline): Pathogenic/Likely pathogenic. Pathogenic (17); Likely pathogenic (1).

Submissions 13 to 21 of 21:

Undiagnosed Diseases Network, NIH
Classification: Pathogenic for Developmental and epileptic encephalopathy, 32. Last evaluated: 2021-06-04. Review status: criteria provided, single submitter. Criteria: ACMG Guidelines, 2015. Collection method: clinical testing. Allele origin: de novo. Inheritance: Autosomal dominant inheritance. Affected: yes. Observed: 1 variant allele, 1 heterozygote. Study: Undiagnosed Diseases Network (NIH), UDN.
Comment: Both GOF and LOF variants have been described in KCNA2. The onset of spasticity associated with KCNA2 variants has ranged from 2-20 years of age. Clinical seizures are uncommon with LOF variants, but epileptiform discharges have been observed more frequently.

Blueprint Genetics
Classification: Pathogenic for KCNA2-related disorders. Last evaluated: 2021-03-01. Review status: criteria provided, single submitter. Criteria: ACMG Guidelines, 2015. Collection method: clinical testing. Allele origin: germline. Affected: yes. Observed: 2 variant alleles.

Molecular Medicine for Neurodegenerative and Neuromuscular Diseases Unit, IRCCS Fondazione Stella Maris
Classification: Pathogenic for Developmental and epileptic encephalopathy, 32. Last evaluated: 2021-01-04. Review status: criteria provided, single submitter. Criteria: ACMG Guidelines, 2015. Collection method: research. Allele origin: unknown. Affected: yes.

Ambry Genetics
Classification: Pathogenic for Inborn genetic diseases. Last evaluated: 2020-12-16. Review status: criteria provided, single submitter. Criteria: Ambry Variant Classification Scheme 2023. Collection method: clinical testing. Allele origin: germline.
Comment: The c.881G>A (p.R294H) alteration is located in exon 3 (coding exon 1) of the KCNA2 gene. This alteration results from a G to A substitution at nucleotide position 881, causing the arginine (R) at amino acid position 294 to be replaced by a histidine (H). Based on data from the Genome Aggregation Database (gnomAD), the KCNA2 c.881G>A alteration was not observed, with coverage at this position. The KCNA2 c.881G>A (p.R294H) alteration has been reported in six individuals from three unrelated families with hereditary spastic paraplegia (Helbig, 2016; Manole, 2017). In one patient, the alteration was confirmed de novo. A seventh patient was reported with the de novo c.881G>A (p.R294H) alteration, who had ataxia and intellectual disability; The p.R294 amino acid is completely conserved in available vertebrate species. The p.R294 amino acid is located in the S4 transmembrane segment of the Kv1.2 channel, which forms the voltage sensor domain (Tombola, 2005; Delemotte, 2010). This arginine is the first of six evenly spaced and highly conserved positively charged amino acid residues (p.R294, p.R297, p.R300, p.R303, p.K306, p.R309), which act as "gating charges" and respond to a voltage difference across the cell membrane, allowing Kv1.2 to assume either an open or closed conformation that allows potassium ions to flow through the channel based on their electrochemical gradient (Seoh, 1996; Aggarwal, 1996; Long, 2005). Functional analysis of the p.R294H alteration in Xenopus oocytes revealed that the variant results in a loss of channel function with a dominant-negative effect (Helbig, 2016; Manole, 2017). The p.R294H alteration is predicted to be deleterious by in silico analysis. Based on the available evidence, this alteration is classified as pathogenic.

Institute of Medical Genetics and Applied Genomics, University Hospital Tübingen
Classification: Pathogenic. Last evaluated: 2020-10-23. Review status: criteria provided, single submitter. Criteria: ACMG Guidelines, 2015. Collection method: clinical testing. Allele origin: germline. Inheritance: Unknown mechanism. Affected: yes.

Genetic Services Laboratory, University of Chicago
Classification: Likely pathogenic. Last evaluated: 2017-09-15. Review status: criteria provided, single submitter. Criteria: ACMG Guidelines, 2015. Collection method: clinical testing. Allele origin: germline. Affected: yes.

Solve-RD Consortium
Classification: Likely pathogenic for Developmental and epileptic encephalopathy, 32. Last evaluated: 2022-06-01. Review status: no assertion criteria provided. Collection method: provider interpretation. Allele origin: inherited. Affected: yes. Not counted in ClinVar's aggregate classification.
Comment: Variant confirmed as disease-causing by referring clinical team

Variant identified during reanalysis of unsolved cases by the Solve-RD project. The Solve-RD project has received funding from the European Union’s Horizon 2020 research and innovation programme under grant agreement No 779257.

Joint Genome Diagnostic Labs from Nijmegen and Maastricht, Radboudumc and MUMC+
Classification: Likely pathogenic. Review status: no assertion criteria provided. Collection method: clinical testing. Allele origin: germline. Affected: yes. Study: VKGL Data-share Consensus. Not counted in ClinVar's aggregate classification.

Laboratory of Diagnostic Genome Analysis, Leiden University Medical Center (LUMC)
Classification: Pathogenic. Review status: no assertion criteria provided. Collection method: clinical testing. Allele origin: germline. Affected: yes. Study: VKGL Data-share Consensus. Not counted in ClinVar's aggregate classification.

Literature cited by the submitters: PubMed 27543892 (cited by 6 submitters); PubMed 28032718 (cited by 5 submitters); PubMed 33802230 (cited by 3 submitters); PubMed 18504314 (cited by Molecular Genetics, Royal Melbourne Hospital); PubMed 20869590 (cited by Molecular Genetics, Royal Melbourne Hospital); PubMed 34445196 (cited by Molecular Genetics, Royal Melbourne Hospital and Mayo Clinic Laboratories, Mayo Clinic); PubMed 39048885 (cited by Molecular Genetics, Royal Melbourne Hospital); PubMed 16002579 (cited by Mayo Clinic Laboratories, Mayo Clinic and Ambry Genetics); PubMed 38517617 (cited by Mayo Clinic Laboratories, Mayo Clinic); PubMed 8663992 (cited by Ambry Genetics); PubMed 8663993 (cited by Ambry Genetics); PubMed 15694325 (cited by Ambry Genetics); PubMed 21044565 (cited by Ambry Genetics); PubMed 39825153 (cited by Solve-RD Consortium).